The following is an entry in ClinVar:

NM_001244008.2(KIF1A):c.198C>A (p.Asn66Lys)

Gene: KIF1A (kinesin family member 1A; minus strand). Cytogenetic location: 2q37.3.
Variant type: single nucleotide variant.
Coding change: c.198C>A on transcript NM_001244008.2 (MANE Select); coding-DNA position 198, C replaced by A.
Protein change: p.Asn66Lys; replaces asparagine 66 with lysine.
Molecular consequence: missense variant.
Genome position (GRCh38, 1-based): chr2:240,788,216, G>T on the plus strand (C>A on the coding strand, the complement: KIF1A is on the minus strand). VCF-style: chr2-240788216-G-T. GRCh37 (hg19) VCF-style: chr2-241727633-G-T.
Other names: c.198C>A, p.Asn66Lys (NM_001320705.2, NM_001330289.2, NM_001330290.2 and 20 more transcripts); c.198C>A (NM_004321.6); short protein forms N66K.
Identifiers: ClinVar variation 1473283 (VCV001473283.13), dbSNP rs1336875527, ClinGen allele CA351311067.

ClinVar aggregate classification (germline): Uncertain significance. Review status: criteria provided, multiple submitters, no conflicts (2 of 4 stars). 2 submissions from 2 submitters: Uncertain significance (2). Last evaluated 2026-03-18.

Conditions:
Neuropathy, hereditary sensory, type 2C. Also called: Hereditary sensory and autonomic neuropathy type IIC; KIF1A-Related HSAN2 (HSAN2C). Identifiers: Orphanet 970, MedGen C3280168, MONDO:0013634, OMIM 614213.
Hereditary spastic paraplegia 30. Identifiers: Orphanet 101010, MedGen C5235139, MONDO:0012476.
Intellectual disability, autosomal dominant 9 (NESCAVS). Also called: NESCAV SYNDROME; KIF1A-Related Neurodevelopmental Disorder. Identifiers: Orphanet 662367, MedGen C5393830, MONDO:0013656, OMIM 614255.

Allele frequency attached by ClinVar (database versions not stated): gnomAD 0.00001.
gnomAD v4.1: 2 of 1,613,692 alleles (0.00012%); highest among the groups gnomAD compares: African/African-American, 0.0027%; no homozygotes.

Submissions (2):

GeneDx
Classification: Uncertain significance. Last evaluated: 2026-03-18. Review status: criteria provided, single submitter. Criteria: GeneDx Variant Classification Process June 2021. Collection method: clinical testing. Allele origin: germline.
Comment: Not observed at significant frequency in large population cohorts (gnomAD); In silico analysis supports that this missense variant has a deleterious effect on protein structure/function; Has not been previously published as pathogenic or benign to our knowledge; This variant is associated with the following publications: (PMID: 26125038, 21820098, 21376300)

Labcorp Genetics (formerly Invitae), Labcorp
Classification: Uncertain significance for Hereditary spastic paraplegia 30; Neuropathy, hereditary sensory, type 2C; Intellectual disability, autosomal dominant 9. Last evaluated: 2024-02-05. Review status: criteria provided, single submitter. Criteria: Invitae Variant Classification Sherloc (09022015). Collection method: clinical testing. Allele origin: germline.
Comment: This sequence change replaces asparagine, which is neutral and polar, with lysine, which is basic and polar, at codon 66 of the KIF1A protein (p.Asn66Lys). This variant is not present in population databases (gnomAD no frequency). This variant has not been reported in the literature in individuals affected with KIF1A-related conditions. ClinVar contains an entry for this variant (Variation ID: 1473283). Advanced modeling of protein sequence and biophysical properties (such as structural, functional, and spatial information, amino acid conservation, physicochemical variation, residue mobility, and thermodynamic stability) performed at Invitae indicates that this missense variant is expected to disrupt KIF1A protein function with a positive predictive value of 95%. In summary, the available evidence is currently insufficient to determine the role of this variant in disease. Therefore, it has been classified as a Variant of Uncertain Significance.